The following is an entry in ClinVar:

NM_006206.6(PDGFRA):c.3187_3196del (p.Glu1063fs)

Gene: PDGFRA (platelet derived growth factor receptor alpha; plus strand). Cytogenetic location: 4q12.
Variant type: Deletion.
Coding change: c.3187_3196del on transcript NM_006206.6 (MANE Select); coding-DNA positions 3187 to 3196, 10 bases deleted (GAGGACGAGA; older notation c.3187_3196delGAGGACGAGA).
Protein change: p.Glu1063fs; shifts the reading frame from glutamic acid 1063.
Molecular consequence: frameshift variant.
Genome position (GRCh38, 1-based): chr4:54,295,189-54,295,198, GAGGACGAGA deleted; deleting any 10 consecutive bases within chr4:54,295,185-54,295,198 gives the same sequence; the c. name uses the placement nearest the transcript's 3' end. VCF-style (leftmost placement, unchanged base first): chr4-54295184-AGAGAGAGGAC-A. GRCh37 (hg19) VCF-style: chr4-55161351-AGAGAGAGGAC-A.
Other names: c.3262_3271del, p.Glu1088fs (NM_001347828.2); c.3187_3196del, p.Glu1063fs (NM_001347829.2); c.3226_3235del, p.Glu1076fs (NM_001347830.2); short protein forms E1063fs, E1076fs, E1088fs.
Identifiers: ClinVar variation 2821880 (VCV002821880.3), dbSNP rs2475578920, ClinGen allele CA2739270061.
Genomic context (GRCh38, chr4:54,295,184, plus strand): 5'-GCTCGCAGACCTCTGAAGAGAGTGCCATTGAGACGGGTTCCAGCAGTTCCACCTTCATCA[AGAGAGAGGAC>A]GAGACCATTGAAGACATCGACATGATGGATGACATCGGCATAGACTCTTCAGACCTGGTG-3'

ClinVar aggregate classification (germline): Uncertain significance (1 of 4 stars; one submission).

Conditions:
Gastrointestinal stromal tumor. Also called: Gastrointestinal stromal tumor, somatic; Gastrointestinal stroma tumor. Identifiers: Orphanet 44890, MedGen C0238198, MeSH D046152, MONDO:0011719, OMIM 606764, HP:0100723.

Submission:

Labcorp Genetics (formerly Invitae), Labcorp
Classification: Uncertain significance for Gastrointestinal stromal tumor. Last evaluated: 2022-12-18. Review status: criteria provided, single submitter. Criteria: Invitae Variant Classification Sherloc (09022015). Collection method: clinical testing. Allele origin: germline.
Comment: This sequence change creates a premature translational stop signal (p.Glu1063Profs*7) in the PDGFRA gene. While this is not anticipated to result in nonsense mediated decay, it is expected to disrupt the last 27 amino acid(s) of the PDGFRA protein. This variant is not present in population databases (gnomAD no frequency). This variant has not been reported in the literature in individuals affected with PDGFRA-related conditions. Experimental studies and prediction algorithms are not available or were not evaluated, and the functional significance of this variant is currently unknown. In summary, the available evidence is currently insufficient to determine the role of this variant in disease. Therefore, it has been classified as a Variant of Uncertain Significance.